The following is an entry in ClinVar:

ClinVar aggregate classification (germline): Pathogenic/Likely pathogenic. Review status: criteria provided, multiple submitters, no conflicts (2 of 4 stars). 2 submissions from 2 submitters: Pathogenic (1); Likely pathogenic (1). Last evaluated 2024-08-20.

Conditions:
Familial dysautonomia. Also called: HSAN III; FD. Identifiers: Orphanet 1764, MedGen C0013364, MONDO:0009131, OMIM 223900. Disease mechanism: loss of function.

Submissions (2):

Natera, Inc.
Classification: Likely pathogenic for Familial dysautonomia. Last evaluated: 2024-08-20. Review status: criteria provided, single submitter. Criteria: Natera Variant Classification Schema (03/2026). Collection method: clinical testing. Allele origin: germline.
Comment: The c.249delG variant in ELP1 is a frameshift variant predicted to shift the reading frame beginning at codon 84 and leads to a stop codon 25 codons downstream. This variant is expected to result in nonsense mediated decay, truncation, or a dysfunctional protein product. This variant is rare in the general population with a frequency below the threshold expected for the associated phenotype(s). Given the available evidence, this variant is classified as Likely Pathogenic.

Labcorp Genetics (formerly Invitae), Labcorp
Classification: Pathogenic. Last evaluated: 2022-02-11. Review status: criteria provided, single submitter. Criteria: Invitae Variant Classification Sherloc (09022015). Collection method: clinical testing. Allele origin: germline.
Comment: For these reasons, this variant has been classified as Pathogenic. This variant has not been reported in the literature in individuals affected with ELP1-related conditions. This variant is not present in population databases (gnomAD no frequency). This sequence change creates a premature translational stop signal (p.Cys84Valfs*25) in the ELP1 gene. It is expected to result in an absent or disrupted protein product. Loss-of-function variants in ELP1 are known to be pathogenic (PMID: 18303054, 24173031).

Literature cited by the submitters: PubMed 18303054 (cited by Labcorp Genetics (formerly Invitae), Labcorp); PubMed 24173031 (cited by Labcorp Genetics (formerly Invitae), Labcorp).

NM_003640.5(ELP1):c.249del (p.Cys84fs)

Gene: ELP1 (elongator acetyltransferase complex subunit 1; minus strand). Cytogenetic location: 9q31.3.
Variant type: Deletion.
Coding change: c.249del on transcript NM_003640.5 (MANE Select); coding-DNA position 249, one base deleted (G; older notation c.249delG).
Protein change: p.Cys84fs; shifts the reading frame from cysteine 84.
Molecular consequence: frameshift variant. On other transcripts: 5 prime UTR variant (2).
Genome position (GRCh38, 1-based): chr9:108,929,823, C deleted on the plus strand (G on the coding strand, the reverse complement: ELP1 is on the minus strand). VCF-style (leftmost placement, unchanged base first): chr9-108929822-AC-A. GRCh37 (hg19) VCF-style: chr9-111692102-AC-A.
Other names: c.249delG (NM_003640.4); c.-94del (NM_001318360.2); c.-611del (NM_001330749.2); short protein forms C84fs.
Identifiers: ClinVar variation 1925810 (VCV001925810.6), dbSNP rs2537963867, ClinGen allele CA2580079355.